The following is an entry in ClinVar:

ClinVar aggregate classification (germline): Benign. Review status: criteria provided, multiple submitters, no conflicts (2 of 4 stars). 9 submissions from 9 submitters: Benign (7). 2 of the submissions do not count toward it. Last evaluated 2024-11-27.

Conditions:
Autosomal recessive nonsyndromic hearing loss 30. Identifiers: Orphanet 90636, MedGen C1846784, MONDO:0011774, OMIM 607101.

Allele frequency attached by ClinVar (database versions not stated): 1000 Genomes Project 30x 0.39600; 1000 Genomes Project 0.39657; TOPMed 0.45115; ESP Exome Variant Server 0.45387; gnomAD 0.47469 and 0.47540; gnomAD exomes 0.47831 and 0.52557; ExAC 0.48343.
gnomAD v4.1: 824,560 of 1,585,094 alleles (52%); highest among the groups gnomAD compares: Middle Eastern, 56%; 220,702 homozygotes.

Submissions (9):

Blueprint Genetics
Classification: Benign. Last evaluated: 2024-11-27. Review status: criteria provided, single submitter. Criteria: ACMG Guidelines, 2015. Collection method: clinical testing. Allele origin: germline.

Genome-Nilou Lab
Classification: Benign for Autosomal recessive nonsyndromic hearing loss 30. Last evaluated: 2021-09-05. Review status: criteria provided, single submitter. Criteria: ACMG Guidelines, 2015. Collection method: clinical testing. Allele origin: germline. Affected: no.

Illumina Laboratory Services, Illumina
Classification: Benign for Autosomal recessive nonsyndromic hearing loss 30. Last evaluated: 2018-01-13. Review status: criteria provided, single submitter. Criteria: ICSL Variant Classification Criteria 13 December 2019. Collection method: clinical testing. Allele origin: germline.
Comment: This variant was observed in the ICSL laboratory as part of a predisposition screen in an ostensibly healthy population. It had not been previously curated by ICSL or reported in the Human Gene Mutation Database (HGMD: prior to June 1st, 2018), and was therefore a candidate for classification through an automated scoring system. Utilizing variant allele frequency, disease prevalence and penetrance estimates, and inheritance mode, an automated score was calculated to assess if this variant is too frequent to cause the disease. Based on the score and internal cut-off values, a variant classified as benign is not then subjected to further curation. The score for this variant resulted in a classification of benign for this disease.

GeneDx
Classification: Benign. Last evaluated: 2017-05-09. Review status: criteria provided, single submitter. Criteria: GeneDx Variant Classification (06012015). Collection method: clinical testing. Allele origin: germline. Affected: yes.
Comment: This variant is considered likely benign or benign based on one or more of the following criteria: it is a conservative change, it occurs at a poorly conserved position in the protein, it is predicted to be benign by multiple in silico algorithms, and/or has population frequency not consistent with disease.

Laboratory for Molecular Medicine, Mass General Brigham Personalized Medicine
Classification: Benign. Last evaluated: 2012-05-07. Review status: criteria provided, single submitter. Criteria: LMM Criteria. Collection method: clinical testing. Allele origin: germline. Observed: 1,202 variant alleles.
Comment: "Tyr368Tyr in Exon 12 of MYO3A: This variant is not expected to have clinical si gnificance because it does not alter an amino acid residue, is not located withi n the splice consensus sequence, and has been identified in 49.1% (3446/7020) of European American chromosomes from a broad population by the NHLBI Exome Sequen cing Project (dbSNP rs35379457)."

Breakthrough Genomics
Classification: Benign. Review status: criteria provided, single submitter. Criteria: ACMG Guidelines, 2015. Collection method: not provided. Allele origin: germline. Inheritance: Autosomal recessive inheritance. Affected: yes.

PreventionGenetics, part of Exact Sciences
Classification: Benign. Review status: criteria provided, single submitter. Criteria: ACMG Guidelines, 2015. Collection method: clinical testing. Allele origin: germline.

Diagnostic Laboratory, Department of Genetics, University Medical Center Groningen
Classification: Benign. Review status: no assertion criteria provided. Collection method: clinical testing. Allele origin: germline. Affected: yes. Study: VKGL Data-share Consensus. Not counted in ClinVar's aggregate classification.

Joint Genome Diagnostic Labs from Nijmegen and Maastricht, Radboudumc and MUMC+
Classification: Benign. Review status: no assertion criteria provided. Collection method: clinical testing. Allele origin: germline. Affected: yes. Study: VKGL Data-share Consensus. Not counted in ClinVar's aggregate classification.

NM_017433.5(MYO3A):c.1104C>T (p.Tyr368=)

Gene: MYO3A (myosin IIIA; plus strand). Cytogenetic location: 10p12.1.
Variant type: single nucleotide variant.
Coding change: c.1104C>T on transcript NM_017433.5 (MANE Select); coding-DNA position 1104, C replaced by T.
Protein change: p.Tyr368=; no amino-acid change (tyrosine 368 retained).
Molecular consequence: synonymous variant.
Genome position (GRCh38, 1-based): chr10:26,068,818, C>T. VCF-style: chr10-26068818-C-T. GRCh37 (hg19) VCF-style: chr10-26357747-C-T.
Identifiers: ClinVar variation 45796 (VCV000045796.19), dbSNP rs35379457, ClinGen allele CA137056.